The following is an entry in ClinVar:

ClinVar aggregate classification (germline): Uncertain significance (1 of 4 stars; one submission).

Conditions:
Neuroblastoma, susceptibility to, 3. Also called: ALK-Related Neuroblastic Tumor Susceptibility. Identifiers: Orphanet 635, MedGen C2751681, MONDO:0013083, OMIM 613014.

Submission:

Labcorp Genetics (formerly Invitae), Labcorp
Classification: Uncertain significance for Neuroblastoma, susceptibility to, 3. Last evaluated: 2021-07-06. Review status: criteria provided, single submitter. Criteria: Invitae Variant Classification Sherloc (09022015). Collection method: clinical testing. Allele origin: germline.
Comment: This sequence change replaces arginine with methionine at codon 1373 of the ALK protein (p.Arg1373Met). The arginine residue is highly conserved and there is a moderate physicochemical difference between arginine and methionine. This variant is not present in population databases (ExAC no frequency). This variant has not been reported in the literature in individuals affected with ALK-related conditions. Algorithms developed to predict the effect of missense changes on protein structure and function are either unavailable or do not agree on the potential impact of this missense change (SIFT: "Deleterious"; PolyPhen-2: "Probably Damaging"; Align-GVGD: "Class C0"). In summary, the available evidence is currently insufficient to determine the role of this variant in disease. Therefore, it has been classified as a Variant of Uncertain Significance.

NM_004304.5(ALK):c.4118G>T (p.Arg1373Met)

Gene: ALK (ALK receptor tyrosine kinase; minus strand). Cytogenetic location: 2p23.2.
Variant type: single nucleotide variant.
Coding change: c.4118G>T on transcript NM_004304.5 (MANE Select); coding-DNA position 4118, G replaced by T.
Protein change: p.Arg1373Met; replaces arginine 1373 with methionine.
Molecular consequence: missense variant.
Genome position (GRCh38, 1-based): chr2:29,196,816, C>A on the plus strand (G>T on the coding strand, the complement: ALK is on the minus strand). VCF-style: chr2-29196816-C-A. GRCh37 (hg19) VCF-style: chr2-29419682-C-A.
Other names: c.914G>T, p.Arg305Met (NM_001353765.2); short protein forms R305M, R1373M.
Identifiers: ClinVar variation 1461418 (VCV001461418.6), dbSNP rs1558606110, ClinGen allele CA346465135.